The following is an entry in ClinVar:

ClinVar aggregate classification (germline): Likely pathogenic. Review status: criteria provided, single submitter (1 of 4 stars). 2 submissions from 2 submitters: Likely pathogenic (1). 1 of the submissions does not count toward it. Last evaluated 2026-02-02.

Conditions:
Leber congenital amaurosis (LCA). Also called: Leber's amaurosis. Identifiers: Orphanet 65, MedGen C0339527, MeSH D057130, MONDO:0018998.
Retinal disorder. Also called: Retinal disorders; Retinopathy; Retinopathies; Retinal Diseases. Identifiers: MedGen C0035309, MONDO:0005283, HP:0000488.

Submissions (2):

Genetics Laboratory, Great Ormond Street Hospital NHS Foundation Trust, North Thames Genomic Laboratory Hub
Classification: Likely pathogenic for Retinal disorders. Last evaluated: 2026-02-02. Review status: criteria provided, single submitter. Criteria: ACGS Best Practice Guidelines for Variant Classification in Rare Disease 2024 v1.2. Collection method: clinical testing. Allele origin: germline. Affected: yes.
Comment: PM2_moderate, PVS1_strong, PM3_moderate

NIHR Bioresource Rare Diseases, University of Cambridge
Classification: Pathogenic for Leber congenital amaurosis. Last evaluated: 2015-01-01. Review status: no assertion criteria provided. Collection method: research. Allele origin: unknown. Affected: yes. Observed: 1 variant allele. Not counted in ClinVar's aggregate classification.

Literature cited by the submitters: PubMed 23946133 (cited by NIHR Bioresource Rare Diseases, University of Cambridge); PubMed 28041643 (cited by NIHR Bioresource Rare Diseases, University of Cambridge).

NM_001122769.3(LCA5):c.1676C>A (p.Ser559Ter)

Gene: LCA5 (lebercilin LCA5; minus strand). Cytogenetic location: 6q14.1.
Variant type: single nucleotide variant.
Coding change: c.1676C>A on transcript NM_001122769.3 (MANE Select); coding-DNA position 1676, C replaced by A.
Protein change: p.Ser559Ter; replaces serine 559 with a stop codon.
Molecular consequence: nonsense.
Genome position (GRCh38, 1-based): chr6:79,487,422, G>T on the plus strand (C>A on the coding strand, the complement: LCA5 is on the minus strand). VCF-style: chr6-79487422-G-T. GRCh37 (hg19) VCF-style: chr6-80197139-G-T.
Other names: c.1676C>A, p.Ser559Ter (NM_181714.4); short protein forms S559*.
Identifiers: ClinVar variation 438152 (VCV000438152.3), dbSNP rs766143193, ClinGen allele CA364639222.